The following is an entry in ClinVar:

ClinVar aggregate classification (germline): Uncertain significance (1 of 4 stars; one submission).

Conditions:
Neutral lipid storage myopathy (NLSDM). Also called: NEUTRAL LIPID STORAGE DISEASE WITHOUT ICHTHYOSIS. Identifiers: Orphanet 98908, MedGen C1853136, MONDO:0012545, OMIM 610717.

gnomAD v4.1: 12 of 1,586,708 alleles (0.00076%); highest among the groups gnomAD compares: Non-Finnish European, 0.001%; no homozygotes.

Submission:

Labcorp Genetics (formerly Invitae), Labcorp
Classification: Uncertain significance for Neutral lipid storage myopathy. Last evaluated: 2022-01-20. Review status: criteria provided, single submitter. Criteria: Invitae Variant Classification Sherloc (09022015). Collection method: clinical testing. Allele origin: germline.
Comment: In summary, the available evidence is currently insufficient to determine the role of this variant in disease. Therefore, it has been classified as a Variant of Uncertain Significance. Algorithms developed to predict the effect of missense changes on protein structure and function (SIFT, PolyPhen-2, Align-GVGD) all suggest that this variant is likely to be tolerated. This variant has not been reported in the literature in individuals affected with PNPLA2-related conditions. This variant is present in population databases (no rsID available, gnomAD 0.002%). This sequence change replaces arginine, which is basic and polar, with proline, which is neutral and non-polar, at codon 303 of the PNPLA2 protein (p.Arg303Pro).

NM_020376.4(PNPLA2):c.908G>C (p.Arg303Pro)

Gene: PNPLA2 (patatin like domain 2, triacylglycerol lipase; plus strand). Cytogenetic location: 11p15.5.
Variant type: single nucleotide variant.
Coding change: c.908G>C on transcript NM_020376.4 (MANE Select); coding-DNA position 908, G replaced by C.
Protein change: p.Arg303Pro; replaces arginine 303 with proline.
Molecular consequence: missense variant.
Genome position (GRCh38, 1-based): chr11:823,844, G>C. VCF-style: chr11-823844-G-C. GRCh37 (hg19) VCF-style: chr11-823844-G-C.
Other names: short protein forms R303P.
Identifiers: ClinVar variation 2088348 (VCV002088348.2), dbSNP rs754108863, ClinGen allele CA378981908.